The following is an entry in ClinVar:

NM_000271.5(NPC1):c.547G>T (p.Ala183Ser)

Gene: NPC1 (NPC intracellular cholesterol transporter 1; minus strand). Cytogenetic location: 18q11.2.
Variant type: single nucleotide variant.
Coding change: c.547G>T on transcript NM_000271.5 (MANE Select); coding-DNA position 547, G replaced by T.
Protein change: p.Ala183Ser; replaces alanine 183 with serine.
Molecular consequence: missense variant.
Genome position (GRCh38, 1-based): chr18:23,561,444, C>A on the plus strand (G>T on the coding strand, the complement: NPC1 is on the minus strand). VCF-style: chr18-23561444-C-A. GRCh37 (hg19) VCF-style: chr18-21141408-C-A.
Other names: short protein forms A183S.
Identifiers: ClinVar variation 1448382 (VCV001448382.7), dbSNP rs111256741, ClinGen allele CA8913708.

ClinVar aggregate classification (germline): Uncertain significance (1 of 4 stars; one submission).

Conditions:
Niemann-Pick disease, type C1. Also called: NIEMANN-PICK DISEASE, VARIANT TYPE C1; NEUROVISCERAL STORAGE DISEASE WITH VERTICAL SUPRANUCLEAR OPHTHALMOPLEGIA; NIEMANN-PICK DISEASE WITH CHOLESTEROL ESTERIFICATION BLOCK; NIEMANN-PICK DISEASE WITHOUT SPHINGOMYELINASE DEFICIENCY; NIEMANN-PICK DISEASE, CHRONIC NEURONOPATHIC FORM. Identifiers: Orphanet 646, MedGen C3179455, MONDO:0009757, OMIM 257220.

gnomAD v4.1: 17 of 1,614,004 alleles (0.0011%); highest among the groups gnomAD compares: African/African-American, 0.021%; no homozygotes.

Submission:

Labcorp Genetics (formerly Invitae), Labcorp
Classification: Uncertain significance for Niemann-Pick disease, type C1. Last evaluated: 2026-01-26. Review status: criteria provided, single submitter. Criteria: Invitae Variant Classification Sherloc (09022015). Collection method: clinical testing. Allele origin: germline.
Comment: This sequence change replaces alanine, which is neutral and non-polar, with serine, which is neutral and polar, at codon 183 of the NPC1 protein (p.Ala183Ser). This variant is present in population databases (rs111256741, gnomAD 0.02%). This variant has not been reported in the literature in individuals affected with NPC1-related conditions. ClinVar contains an entry for this variant (Variation ID: 1448382). Invitae Evidence Modeling of protein sequence and biophysical properties (such as structural, functional, and spatial information, amino acid conservation, physicochemical variation, residue mobility, and thermodynamic stability) has been performed for this missense variant. However, the output from this modeling did not meet the statistical confidence thresholds required to predict the impact of this variant on NPC1 protein function. In summary, the available evidence is currently insufficient to determine the role of this variant in disease. Therefore, it has been classified as a Variant of Uncertain Significance.